The following is an entry in ClinVar:

NM_020928.2(ZSWIM6):c.956A>G (p.His319Arg)

Gene: ZSWIM6 (zinc finger SWIM-type containing 6; plus strand). Cytogenetic location: 5q12.1.
Variant type: single nucleotide variant.
Coding change: c.956A>G on transcript NM_020928.2 (MANE Select); coding-DNA position 956, A replaced by G.
Protein change: p.His319Arg; replaces histidine 319 with arginine.
Molecular consequence: missense variant.
Genome position (GRCh38, 1-based): chr5:61,472,960, A>G. VCF-style: chr5-61472960-A-G. GRCh37 (hg19) VCF-style: chr5-60768787-A-G.
Other names: short protein forms H319R.
Identifiers: ClinVar variation 1358279 (VCV001358279.6), dbSNP rs764968657, ClinGen allele CA3278322.

ClinVar aggregate classification (germline): Uncertain significance (1 of 4 stars; one submission).

Allele frequency attached by ClinVar (database versions not stated): gnomAD exomes below 0.00001 and 0.00001; TOPMed 0.00004; ExAC 0.00005; gnomAD 0.00007.
gnomAD v4.1: 12 of 1,544,326 alleles (0.00078%); highest among the groups gnomAD compares: African/African-American, 0.015%; no homozygotes.

Submission:

Labcorp Genetics (formerly Invitae), Labcorp
Classification: Uncertain significance. Last evaluated: 2025-10-23. Review status: criteria provided, single submitter. Criteria: Invitae Variant Classification Sherloc (09022015). Collection method: clinical testing. Allele origin: germline.
Comment: This sequence change replaces histidine, which is basic and polar, with arginine, which is basic and polar, at codon 319 of the ZSWIM6 protein (p.His319Arg). This variant is present in population databases (rs764968657, gnomAD 0.02%). This variant has not been reported in the literature in individuals affected with ZSWIM6-related conditions. ClinVar contains an entry for this variant (Variation ID: 1358279). Invitae Evidence Modeling of protein sequence and biophysical properties (such as structural, functional, and spatial information, amino acid conservation, physicochemical variation, residue mobility, and thermodynamic stability) has been performed for this missense variant. However, the output from this modeling did not meet the statistical confidence thresholds required to predict the impact of this variant on ZSWIM6 protein function. In summary, the available evidence is currently insufficient to determine the role of this variant in disease. Therefore, it has been classified as a Variant of Uncertain Significance.